The following is an entry in ClinVar:

NM_001009944.3(PKD1):c.8155A>T (p.Ile2719Phe)

Gene: PKD1 (polycystin 1, transient receptor potential channel interacting; minus strand). Cytogenetic location: 16p13.3.
Variant type: single nucleotide variant.
Coding change: c.8155A>T on transcript NM_001009944.3 (MANE Select); coding-DNA position 8155, A replaced by T.
Protein change: p.Ile2719Phe; replaces isoleucine 2719 with phenylalanine.
Molecular consequence: missense variant.
Genome position (GRCh38, 1-based): chr16:2,104,504, T>A on the plus strand (A>T on the coding strand, the complement: PKD1 is on the minus strand). VCF-style: chr16-2104504-T-A. GRCh37 (hg19) VCF-style: chr16-2154505-T-A.
Other names: c.8155A>T, p.Ile2719Phe (NM_000296.4); short protein forms I2719F.
Identifiers: ClinVar variation 3393597 (VCV003393597.1).

ClinVar aggregate classification (germline): Uncertain significance (1 of 4 stars; one submission).

Submission:

GeneDx
Classification: Uncertain significance. Last evaluated: 2024-07-01. Review status: criteria provided, single submitter. Criteria: GeneDx Variant Classification Process June 2021. Collection method: clinical testing. Allele origin: germline. Affected: yes.
Comment: Not observed at significant frequency in large population cohorts (gnomAD); In silico analysis supports that this missense variant has a deleterious effect on protein structure/function; Has not been previously published as pathogenic or benign to our knowledge